The following is an entry in ClinVar:

NM_004360.5(CDH1):c.1321-7T>C

Gene: CDH1 (cadherin 1; plus strand). Cytogenetic location: 16q22.1.
Variant type: single nucleotide variant.
Coding change: c.1321-7T>C on transcript NM_004360.5 (MANE Select); 7 bases into the intron before coding-DNA position 1321, T replaced by C.
Molecular consequence: intron variant.
Genome position (GRCh38, 1-based): chr16:68,815,508, T>C. VCF-style: chr16-68815508-T-C. GRCh37 (hg19) VCF-style: chr16-68849411-T-C.
Other names: c.-228-7T>C (NM_001317185.2); c.-499-7T>C (NM_001317186.2); c.1138-7T>C (NM_001317184.2).
Identifiers: ClinVar variation 3378484 (VCV003378484.1).

ClinVar aggregate classification (germline): Likely benign (1 of 4 stars; one submission).

Conditions:
Hereditary diffuse gastric adenocarcinoma (HDGC). Also called: DIFFUSE GASTRIC AND LOBULAR BREAST CANCER SYNDROME. Identifiers: Orphanet 26106, MedGen C1708349, MONDO:0007648, OMIM 137215.

Submission:

Myriad Genetics, Inc.
Classification: Likely benign for Hereditary diffuse gastric adenocarcinoma. Last evaluated: 2024-09-18. Review status: criteria provided, single submitter. Criteria: Myriad Autosomal Dominant, Autosomal Recessive and X-Linked Classification Criteria (2023). Collection method: clinical testing. Allele origin: unknown.
Comment: This variant is considered likely benign. This variant is intronic and is not expected to impact mRNA splicing.